The following is an entry in ClinVar:

NM_002519.3(NPAT):c.858C>A (p.Asn286Lys)

Gene: NPAT (nuclear protein, coactivator of histone transcription; minus strand). Cytogenetic location: 11q22.3.
Variant type: single nucleotide variant.
Coding change: c.858C>A on transcript NM_002519.3 (MANE Select); coding-DNA position 858, C replaced by A.
Protein change: p.Asn286Lys; replaces asparagine 286 with lysine.
Molecular consequence: missense variant.
Genome position (GRCh38, 1-based): chr11:108,185,280, G>T on the plus strand (C>A on the coding strand, the complement: NPAT is on the minus strand). VCF-style: chr11-108185280-G-T. GRCh37 (hg19) VCF-style: chr11-108056007-G-T.
Other names: c.858C>A, p.Asn286Lys (NM_001321307.1); short protein forms N286K.
Identifiers: ClinVar variation 3222649 (VCV003222649.1), dbSNP rs2496737676, ClinGen allele CA382520011.
Genomic context (GRCh38, chr11:108,185,280, plus strand): 5'-AACCACCCATACCGGAAGTCCTAGGAATTCATCAATTGAAGTCTCTGGCTCCGTAGGGTT[G>T]TTATCTGTTTGCTTAGGTACTTGGGCAATATTGTTATCACTGTTAATAAAGAAAGAAAAA-3'
Protein context (NP_002510.2, residues 276-296): NIAQVPKQTD[Asn286Lys]NPTEPETSID

ClinVar aggregate classification (germline): Uncertain significance (1 of 4 stars; one submission).

Submission:

Ambry Genetics
Classification: Uncertain significance. Last evaluated: 2023-12-23. Review status: criteria provided, single submitter. Criteria: Ambry Variant Classification Scheme 2023. Collection method: clinical testing. Allele origin: germline.
Comment: The p.N286K variant (also known as c.858C>A), located in coding exon 10 of the NPAT gene, results from a C to A substitution at nucleotide position 858. The asparagine at codon 286 is replaced by lysine, an amino acid with similar properties. This amino acid position is conserved. In addition, this alteration is predicted to be tolerated by in silico analysis. Since supporting evidence is limited at this time, the clinical significance of this alteration remains unclear.